The following is an entry in ClinVar:

ClinVar aggregate classification (germline): Uncertain significance (1 of 4 stars; one submission).

Allele frequency attached by ClinVar (database versions not stated): ExAC 0.00001; gnomAD 0.00001; gnomAD exomes 0.00001; TOPMed 0.00001.
gnomAD v4.1: 25 of 1,613,718 alleles (0.0015%); highest among the groups gnomAD compares: East Asian, 0.016%; 1 homozygote.

Submission:

Labcorp Genetics (formerly Invitae), Labcorp
Classification: Uncertain significance. Last evaluated: 2024-11-05. Review status: criteria provided, single submitter. Criteria: Invitae Variant Classification Sherloc (09022015). Collection method: clinical testing. Allele origin: germline.
Comment: This sequence change replaces glutamic acid, which is acidic and polar, with aspartic acid, which is acidic and polar, at codon 3149 of the CDH23 protein (p.Glu3149Asp). This variant is present in population databases (rs761482604, gnomAD 0.03%). This variant has not been reported in the literature in individuals affected with CDH23-related conditions. ClinVar contains an entry for this variant (Variation ID: 2137912). Invitae Evidence Modeling of protein sequence and biophysical properties (such as structural, functional, and spatial information, amino acid conservation, physicochemical variation, residue mobility, and thermodynamic stability) has been performed for this missense variant. However, the output from this modeling did not meet the statistical confidence thresholds required to predict the impact of this variant on CDH23 protein function. In summary, the available evidence is currently insufficient to determine the role of this variant in disease. Therefore, it has been classified as a Variant of Uncertain Significance.

NM_022124.6(CDH23):c.9447G>T (p.Glu3149Asp)

Gene: CDH23 (cadherin related 23; plus strand). Cytogenetic location: 10q22.1.
Variant type: single nucleotide variant.
Coding change: c.9447G>T on transcript NM_022124.6 (MANE Select); coding-DNA position 9447, G replaced by T.
Protein change: p.Glu3149Asp; replaces glutamic acid 3149 with aspartic acid.
Molecular consequence: missense variant.
Genome position (GRCh38, 1-based): chr10:71,812,546, G>T. VCF-style: chr10-71812546-G-T. GRCh37 (hg19) VCF-style: chr10-73572303-G-T.
Other names: c.2727G>T, p.Glu909Asp (NM_001171933.1, NM_001171934.1); c.138G>T, p.Glu46Asp (NM_001171935.1, NM_001171936.1); short protein forms E909D, E3149D, E46D.
Identifiers: ClinVar variation 2137912 (VCV002137912.2), dbSNP rs761482604, ClinGen allele CA5547082.